The following is an entry in ClinVar:

ClinVar aggregate classification (germline): Conflicting classifications of pathogenicity. Review status: criteria provided, conflicting classifications (1 of 4 stars). 5 submissions from 5 submitters: Uncertain significance (1); Benign (1); Likely benign (3). Last evaluated 2026-04-17.

Conditions:
DICER1-related tumor predisposition. Also called: DICER1-related pleuropulmonary blastoma cancer predisposition syndrome; DICER1 syndrome. Identifiers: Orphanet 284343, MedGen C3839822, MONDO:0100216.
Hereditary cancer-predisposing syndrome. Also called: Tumor predisposition; Hereditary Cancer Syndrome; Hereditary neoplastic syndrome; Neoplastic Syndromes, Hereditary. Identifiers: Orphanet 140162, MedGen C0027672, MeSH D009386, MONDO:0015356.

Allele frequency attached by ClinVar (database versions not stated): TOPMed below 0.00001; ExAC 0.00001; gnomAD exomes 0.00001.
gnomAD v4.1: 13 of 1,614,138 alleles (0.00081%); highest among the groups gnomAD compares: Middle Eastern, 0.016%; no homozygotes.

Submissions (5):

Myriad Genetics, Inc.
Classification: Benign for DICER1-related tumor predisposition. Last evaluated: 2026-04-17. Review status: criteria provided, single submitter. Criteria: Myriad Autosomal Dominant, Autosomal Recessive and X-Linked Classification Criteria (2023). Collection method: clinical testing. Allele origin: unknown.
Comment: This variant is considered benign. This variant is a silent/synonymous amino acid change and it is not expected to impact splicing.

Labcorp Genetics (formerly Invitae), Labcorp
Classification: Likely benign for DICER1-related tumor predisposition. Last evaluated: 2025-08-27. Review status: criteria provided, single submitter. Criteria: Invitae Variant Classification Sherloc (09022015). Collection method: clinical testing. Allele origin: germline.

Quest Diagnostics Nichols Institute San Juan Capistrano
Classification: Uncertain significance. Last evaluated: 2025-01-03. Review status: criteria provided, single submitter. Criteria: Quest Diagnostics criteria. Collection method: clinical testing. Allele origin: unknown.
Comment: The DICER1 c.3630C>T (p.Pro1210=) synonymous variant has not been reported in individuals with DICER1-related conditions in the published literature. The frequency of this variant in the general population (Genome Aggregation Database) is uninformative in the assessment of its pathogenicity. Analysis of this variant using software algorithms for the prediction of the effect of nucleotide changes on splicing yielded predictions that this variant does not affect DICER1 mRNA splicing. Based on the available information, we are unable to determine the clinical significance of this variant.

Blueprint Genetics
Classification: Likely benign. Last evaluated: 2021-04-16. Review status: criteria provided, single submitter. Criteria: ACMG Guidelines, 2015. Collection method: clinical testing. Allele origin: germline.

Ambry Genetics
Classification: Likely benign for Hereditary cancer-predisposing syndrome. Last evaluated: 2017-04-20. Review status: criteria provided, single submitter. Criteria: Ambry Variant Classification Scheme 2023. Collection method: clinical testing. Allele origin: germline.

NM_177438.3(DICER1):c.3630C>T (p.Pro1210=)

Gene: DICER1 (dicer 1, ribonuclease III; minus strand). Cytogenetic location: 14q32.13.
Variant type: single nucleotide variant.
Coding change: c.3630C>T on transcript NM_177438.3 (MANE Select); coding-DNA position 3630, C replaced by T.
Protein change: p.Pro1210=; no amino-acid change (proline 1210 retained).
Molecular consequence: synonymous variant.
Genome position (GRCh38, 1-based): chr14:95,103,766, G>A on the plus strand (C>T on the coding strand, the complement: DICER1 is on the minus strand). VCF-style: chr14-95103766-G-A. GRCh37 (hg19) VCF-style: chr14-95570103-G-A.
Other names: c.3630C>T, p.Pro1210= (NM_001195573.1, NM_001271282.3, NM_001291628.2 and 1 more transcripts).
Identifiers: ClinVar variation 417140 (VCV000417140.20), dbSNP rs774727760, ClinGen allele CA7331017.